The following is an entry in ClinVar:

ClinVar aggregate classification (germline): Uncertain significance (1 of 4 stars; one submission).

Submission:

GeneDx
Classification: Uncertain significance. Last evaluated: 2019-06-24. Review status: criteria provided, single submitter. Criteria: GeneDx Variant Classification Process June 2021. Collection method: clinical testing. Allele origin: germline. Affected: yes.
Comment: Not observed in large population cohorts (Lek et al., 2016); In silico analysis, which includes splice predictors and evolutionary conservation, supports a deleterious effect; Has not been previously published as pathogenic or benign to our knowledge

NM_015335.5(MED13L):c.2470-5C>G

Gene: MED13L (mediator complex subunit 13L; minus strand). Cytogenetic location: 12q24.21.
Variant type: single nucleotide variant.
Coding change: c.2470-5C>G on transcript NM_015335.5 (MANE Select); 5 bases into the intron before coding-DNA position 2470, C replaced by G.
Molecular consequence: intron variant.
Genome position (GRCh38, 1-based): chr12:116,003,107, G>C on the plus strand (C>G on the coding strand, the complement: MED13L is on the minus strand). VCF-style: chr12-116003107-G-C. GRCh37 (hg19) VCF-style: chr12-116440912-G-C.
Identifiers: ClinVar variation 1306493 (VCV001306493.2), dbSNP rs1162894958, ClinGen allele CA2573053605.
Genomic context (GRCh38, chr12:116,003,107, plus strand): 5'-CGGTCTTCTGTCCCAACTGCAGGCATTTTTGATGAGCGCAGAGCAGGTGATACAGCCTAA[G>C]AACAGACGGTGTTATTAAAACAGAGTGACGTGTATATAAGTAGGGCAGCATTCAAATATT-3'